The following is an entry in ClinVar:

ClinVar aggregate classification (germline): Conflicting classifications of pathogenicity. Review status: criteria provided, conflicting classifications (1 of 4 stars). 4 submissions from 4 submitters: Uncertain significance (3); Likely benign (1). Last evaluated 2025-06-09.

Conditions:
Malignant hyperthermia, susceptibility to, 5 (MHS5). Also called: CACNA1S-Related Malignant Hyperthermia Susceptibility. Identifiers: Orphanet 423, MedGen C1866077, MONDO:0011163, OMIM 601887.
Hypokalemic periodic paralysis, type 1. Also called: Hypokalemic Periodic Paralysis Type 1 (AD); HypoPP. Identifiers: Orphanet 681, MedGen C3714580, MONDO:0042979, OMIM 170400.
Inborn genetic diseases. Identifiers: MedGen C0950123, MeSH D030342.

Allele frequency attached by ClinVar (database versions not stated): ExAC 0.00002; 1000 Genomes Project 30x 0.00016; 1000 Genomes Project 0.00020.

Submissions (4):

Color Diagnostics, LLC DBA Color Health
Classification: Uncertain significance for Malignant hyperthermia, susceptibility to, 5. Last evaluated: 2025-06-09. Review status: criteria provided, single submitter. Criteria: ACMG Guidelines, 2015. Collection method: clinical testing. Allele origin: germline.
Comment: This missense variant replaces arginine with histidine at codon 1652 of the CACNA1S protein. Computational prediction suggests that this variant may not impact protein structure and function. To our knowledge, functional studies have not been reported for this variant. This variant has not been reported in individuals affected with CACNA1S-related disorders in the literature. This variant has been identified in 6/251478 chromosomes in the general population by the Genome Aggregation Database (gnomAD). The available evidence is insufficient to determine the role of this variant in disease conclusively. Therefore, this variant is classified as a Variant of Uncertain Significance.

Ambry Genetics
Classification: Uncertain significance for Inborn genetic diseases. Last evaluated: 2025-04-29. Review status: criteria provided, single submitter. Criteria: Ambry Variant Classification Scheme 2023. Collection method: clinical testing. Allele origin: germline.

All of Us Research Program, National Institutes of Health
Classification: Likely benign for Malignant hyperthermia, susceptibility to, 5. Last evaluated: 2024-04-10. Review status: criteria provided, single submitter. Criteria: ACMG Guidelines, 2015. Collection method: clinical testing. Allele origin: germline. Inheritance: Autosomal dominant inheritance. Observed: 1 variant allele, 1 heterozygote.
Comment: This study involves interpretation of variants in research participants for the purpose of population health screening. Participant phenotype was not available at the time of variant classification. Additional details can be found in publication PMID: 35346344, PMCID: PMC8962531

Labcorp Genetics (formerly Invitae), Labcorp
Classification: Uncertain significance for Hypokalemic periodic paralysis, type 1; Malignant hyperthermia, susceptibility to, 5. Last evaluated: 2024-04-02. Review status: criteria provided, single submitter. Criteria: Invitae Variant Classification Sherloc (09022015). Collection method: clinical testing. Allele origin: germline.
Comment: This sequence change replaces arginine, which is basic and polar, with histidine, which is basic and polar, at codon 1652 of the CACNA1S protein (p.Arg1652His). This variant is present in population databases (rs567364021, gnomAD 0.02%). This variant has not been reported in the literature in individuals affected with CACNA1S-related conditions. Advanced modeling of protein sequence and biophysical properties (such as structural, functional, and spatial information, amino acid conservation, physicochemical variation, residue mobility, and thermodynamic stability) performed at Invitae indicates that this missense variant is not expected to disrupt CACNA1S protein function with a negative predictive value of 80%. In summary, the available evidence is currently insufficient to determine the role of this variant in disease. Therefore, it has been classified as a Variant of Uncertain Significance.

NM_000069.3(CACNA1S):c.4955G>A (p.Arg1652His)

Gene: CACNA1S (calcium voltage-gated channel subunit alpha1 S; minus strand). Cytogenetic location: 1q32.1.
Variant type: single nucleotide variant.
Coding change: c.4955G>A on transcript NM_000069.3 (MANE Select); coding-DNA position 4955, G replaced by A.
Protein change: p.Arg1652His; replaces arginine 1652 with histidine.
Molecular consequence: missense variant.
Genome position (GRCh38, 1-based): chr1:201,043,374, C>T on the plus strand (G>A on the coding strand, the complement: CACNA1S is on the minus strand). VCF-style: chr1-201043374-C-T. GRCh37 (hg19) VCF-style: chr1-201012502-C-T.
Other names: c.4955G>A (NM_000069.2); short protein forms R1652H.
Identifiers: ClinVar variation 2931210 (VCV002931210.6), dbSNP rs567364021, ClinGen allele CA083629.